The following continues an entry in ClinVar:

NM_000059.4(BRCA2):c.8435G>A (p.Gly2812Glu)

Gene: BRCA2. ClinVar aggregate classification (germline): Uncertain significance. Uncertain significance (9).

Submissions 7 to 11 of 11:

Women's Health and Genetics/Laboratory Corporation of America, LabCorp
Classification: Uncertain significance. Last evaluated: 2019-12-26. Review status: criteria provided, single submitter. Criteria: LabCorp Variant Classification Summary - May 2015. Collection method: clinical testing. Allele origin: germline.
Comment: Variant summary: BRCA2 c.8435G>A (p.Gly2812Glu) results in a non-conservative amino acid change located in the nucleic acid-binding, OB-fold domain of the protein (interPro) of the encoded protein sequence. Five of five in-silico tools predict a damaging effect of the variant on protein function. The variant allele was found at a frequency of 2.9e-06 in 348960 control chromosomes (gnomAD). The available data on variant occurrences in the general population are insufficient to allow any conclusion about variant significance. c.8435G>A has been reported in the literature in individuals affected with breast cancer as well as in health controls (Couch_2015, Shimelis_2017). These reports do not provide unequivocal conclusions about association of the variant with Hereditary Breast and Ovarian Cancer. Co-occurrences with other pathogenic variants have been reported (BRCA2 c.1929delG, p.Arg645GlufsX15 in UMD database; BRCA1 c.671-2A>G at our laboratory), providing supporting evidence for a benign role. HDR and DNA damage sensitivity assays showed this variant has partial effect on protein function and results in > 50% WT activity (Guidugli_2012, Hart_2018, Mesman_2018). Five ClinVar submitters (evaluation after 2014) cite the variant as uncertain significance (4x) and likely benign (1x). Based on the evidence outlined above, the variant was classified as uncertain significance.

Mayo Clinic Laboratories, Mayo Clinic
Classification: Uncertain significance. Last evaluated: 2019-06-13. Review status: criteria provided, single submitter. Criteria: ACMG Guidelines, 2015. Collection method: clinical testing. Allele origin: germline. Observed: 1 variant allele.

Molecular Genetics Laboratory, University of Michigan
Classification: Uncertain significance for Breast-ovarian cancer, familial, susceptibility to, 2. Last evaluated: 2016-04-21. Review status: criteria provided, single submitter. Criteria: ACMG Guidelines, 2015. Collection method: clinical testing. Allele origin: germline. Affected: yes.

Sharing Clinical Reports Project (SCRP)
Classification: Uncertain significance for Breast-ovarian cancer, familial 2. Last evaluated: 2006-12-21. Review status: no assertion criteria provided. Collection method: clinical testing. Allele origin: germline. Not counted in ClinVar's aggregate classification.

Breast Cancer Information Core (BIC) (BRCA2)
Classification: Uncertain significance for Breast-ovarian cancer, familial 2. Last evaluated: 2003-12-23. Review status: no assertion criteria provided. Collection method: clinical testing. Allele origin: germline. Affected: yes. Observed: 1 variant allele. Not counted in ClinVar's aggregate classification.

Literature cited by the submitters: PubMed 25452441 (cited by 6 submitters); PubMed 28283652 (cited by 4 submitters); PubMed 33609447 (cited by 4 submitters); PubMed 23108138 (cited by 6 submitters); PubMed 29394989 (cited by 6 submitters); PubMed 29884841 (cited by 3 submitters); PubMed 29988080 (cited by 6 submitters); PubMed 19043619 (cited by 3 submitters); PubMed 22632462 (cited by 3 submitters); PubMed 31853058 (cited by All of Us Research Program, National Institutes of Health and Color Diagnostics, LLC DBA Color Health); PubMed 33471991 (cited by All of Us Research Program, National Institutes of Health and Color Diagnostics, LLC DBA Color Health); PubMed 24323938 (cited by Quest Diagnostics Nichols Institute San Juan Capistrano and Women's Health and Genetics/Laboratory Corporation of America, LabCorp).